The following is an entry in ClinVar:

NM_004100.5(EYA4):c.1282-13A>G

Genes: EYA4 (EYA transcriptional coactivator and phosphatase 4; plus strand), TARID (TCF21 antisense RNA inducing promoter demethylation; minus strand). Cytogenetic location: 6q23.2.
Variant type: single nucleotide variant.
Coding change: c.1282-13A>G on transcript NM_004100.5 (MANE Select); 13 bases into the intron before coding-DNA position 1282, A replaced by G.
Molecular consequence: intron variant.
Genome position (GRCh38, 1-based): chr6:133,512,708, A>G. VCF-style: chr6-133512708-A-G. GRCh37 (hg19) VCF-style: chr6-133833846-A-G.
Other names: c.1300-13A>G (NM_001301013.2); c.1282-13A>G (NM_172105.4); c.1213-13A>G (NM_001370458.1, NM_172103.4); c.1138-13A>G (NM_001370459.1); c.1120-13A>G (NM_001301012.2).
Identifiers: ClinVar variation 3695012 (VCV003695012.3).

ClinVar aggregate classification (germline): Uncertain significance. Review status: criteria provided, multiple submitters, no conflicts (2 of 4 stars). 2 submissions from 2 submitters: Uncertain significance (2). Last evaluated 2024-07-02.

Conditions:
Dilated cardiomyopathy 1J (CMD1J). Also called: CARDIOMYOPATHY, DILATED, WITH SENSORINEURAL HEARING LOSS, AUTOSOMAL DOMINANT. Identifiers: Orphanet 217622, MedGen C1854368, MONDO:0011541, OMIM 605362.

gnomAD v4.1: 2 of 1,601,600 alleles (0.00012%); highest among the groups gnomAD compares: Non-Finnish European, 0.000086%; no homozygotes.

Submissions (2):

Labcorp Genetics (formerly Invitae), Labcorp
Classification: Uncertain significance for Dilated cardiomyopathy 1J. Last evaluated: 2024-07-02. Review status: criteria provided, single submitter. Criteria: Invitae Variant Classification Sherloc (09022015). Collection method: clinical testing. Allele origin: germline.
Comment: This sequence change falls in intron 14 of the EYA4 gene. It does not directly change the encoded amino acid sequence of the EYA4 protein. This variant is not present in population databases (gnomAD no frequency). This variant has not been reported in the literature in individuals affected with EYA4-related conditions. Algorithms developed to predict the effect of sequence changes on RNA splicing suggest that this variant may disrupt the consensus splice site. In summary, the available evidence is currently insufficient to determine the role of this variant in disease. Therefore, it has been classified as a Variant of Uncertain Significance.

Blueprint Genetics
Classification: Uncertain significance. Last evaluated: 2024-02-20. Review status: criteria provided, single submitter. Criteria: ACMG Guidelines, 2015. Collection method: clinical testing. Allele origin: germline.